The following is an entry in ClinVar:

NM_001848.3(COL6A1):c.2435-2A>G

Gene: COL6A1 (collagen type VI alpha 1 chain; plus strand). Cytogenetic location: 21q22.3.
Variant type: single nucleotide variant.
Coding change: c.2435-2A>G on transcript NM_001848.3 (MANE Select); the canonical splice acceptor site of the intron before coding-DNA position 2435, A replaced by G.
Molecular consequence: splice acceptor variant.
Genome position (GRCh38, 1-based): chr21:46,003,118, A>G. VCF-style: chr21-46003118-A-G. GRCh37 (hg19) VCF-style: chr21-47423032-A-G.
Identifiers: ClinVar variation 500615 (VCV000500615.14), dbSNP rs940473416, ClinGen allele CA321979770.

ClinVar aggregate classification (germline): Pathogenic/Likely pathogenic. Review status: criteria provided, multiple submitters, no conflicts (2 of 4 stars). 4 submissions from 4 submitters: Pathogenic (1); Likely pathogenic (3). Last evaluated 2026-08-14.

Conditions:
Bethlem myopathy 1A. Also called: Bethlem myopathy 1; Bethlem Muscular Dystrophy; MYOPATHY, BENIGN CONGENITAL, WITH CONTRACTURES. Identifiers: Orphanet 610, MedGen CN029274, MONDO:0024530, OMIM 158810.

Submissions (4):

GeneDx
Classification: Likely pathogenic. Last evaluated: 2026-08-14. Review status: criteria provided, single submitter. Criteria: GeneDx Variant Classification Process June 2021. Collection method: clinical testing. Allele origin: germline.
Comment: Reported in a patient with Bethlem myopathy; however, this patient is also homozygous for a variant in the COL6A3 gene (PMID: 30706156); Canonical splice site variant predicted to result in an in-frame loss of the adjacent exon in a gene for which loss of function is a known mechanism of disease; Deletions involving coding exons of this gene are a known mechanism of disease (HGMD); Not observed at significant frequency in large population cohorts (gnomAD); This variant is associated with the following publications: (PMID: 33441455, 32528171, 30706156, 37688281, 42520849)

Labcorp Genetics (formerly Invitae), Labcorp
Classification: Likely pathogenic for Bethlem myopathy 1A. Last evaluated: 2023-11-01. Review status: criteria provided, single submitter. Criteria: Invitae Variant Classification Sherloc (09022015). Collection method: clinical testing. Allele origin: germline.
Comment: This sequence change affects an acceptor splice site in intron 33 of the COL6A1 gene. It is expected to disrupt RNA splicing. Variants that disrupt the donor or acceptor splice site typically lead to a loss of protein function (PMID: 16199547), and loss-of-function variants in COL6A1 are known to be pathogenic (PMID: 19884007, 20976770). This variant is not present in population databases (gnomAD no frequency). Disruption of this splice site has been observed in individual(s) with Bethlem myopathy and/or limb-girdle weakness (PMID: 30706156, 32528171). ClinVar contains an entry for this variant (Variation ID: 500615). Algorithms developed to predict the effect of sequence changes on RNA splicing suggest that this variant may disrupt the consensus splice site. In summary, the currently available evidence indicates that the variant is pathogenic, but additional data are needed to prove that conclusively. Therefore, this variant has been classified as Likely Pathogenic.

Revvity Omics, Revvity
Classification: Likely pathogenic. Last evaluated: 2019-07-24. Review status: criteria provided, single submitter. Criteria: ACMG Guidelines, 2015. Collection method: clinical testing. Allele origin: germline.

Eurofins Ntd Llc (ga)
Classification: Pathogenic. Last evaluated: 2017-03-02. Review status: criteria provided, single submitter. Criteria: EGL Classification Definitions 2015. Collection method: clinical testing. Allele origin: germline. Observed: 1 variant allele, 1 heterozygote.

Literature cited by the submitters: PubMed 16199547 (cited by Labcorp Genetics (formerly Invitae), Labcorp); PubMed 19884007 (cited by Labcorp Genetics (formerly Invitae), Labcorp); PubMed 20976770 (cited by Labcorp Genetics (formerly Invitae), Labcorp); PubMed 30706156 (cited by Labcorp Genetics (formerly Invitae), Labcorp); PubMed 32528171 (cited by Labcorp Genetics (formerly Invitae), Labcorp).